The following is an entry in ClinVar:

ClinVar aggregate classification (germline): Uncertain significance (1 of 4 stars; one submission).

Allele frequency attached by ClinVar (database versions not stated): TOPMed below 0.00001.
gnomAD v4.1: 1 of 1,613,836 alleles (0.000062%); highest among the groups gnomAD compares: Non-Finnish European, 0.000085%; no homozygotes.

Submission:

Labcorp Genetics (formerly Invitae), Labcorp
Classification: Uncertain significance. Last evaluated: 2021-07-04. Review status: criteria provided, single submitter. Criteria: Invitae Variant Classification Sherloc (09022015). Collection method: clinical testing. Allele origin: germline.
Comment: In summary, the available evidence is currently insufficient to determine the role of this variant in disease. Therefore, it has been classified as a Variant of Uncertain Significance. Algorithms developed to predict the effect of missense changes on protein structure and function are either unavailable or do not agree on the potential impact of this missense change (SIFT: "Deleterious"; PolyPhen-2: "Probably Damaging"; Align-GVGD: "Class C0"). This variant has not been reported in the literature in individuals affected with AP3B2-related conditions. This variant is not present in population databases (ExAC no frequency). This sequence change replaces aspartic acid with histidine at codon 230 of the AP3B2 protein (p.Asp230His). The aspartic acid residue is highly conserved and there is a moderate physicochemical difference between aspartic acid and histidine.

NM_001278512.2(AP3B2):c.688G>C (p.Asp230His)

Genes: AP3B2 (adaptor related protein complex 3 subunit beta 2; minus strand), CPEB1-AS1 (CPEB1 antisense RNA 1; plus strand). Cytogenetic location: 15q25.2.
Variant type: single nucleotide variant.
Coding change: c.688G>C on transcript NM_001278512.2 (MANE Select); coding-DNA position 688, G replaced by C.
Protein change: p.Asp230His; replaces aspartic acid 230 with histidine.
Molecular consequence: missense variant.
Genome position (GRCh38, 1-based): chr15:82,680,920, C>G on the plus strand (G>C on the coding strand, the complement: AP3B2 is on the minus strand). VCF-style: chr15-82680920-C-G. GRCh37 (hg19) VCF-style: chr15-83349672-C-G.
Other names: c.592G>C, p.Asp198His (NM_001278511.2); c.688G>C, p.Asp230His (NM_004644.5); short protein forms D230H, D198H.
Identifiers: ClinVar variation 1365843 (VCV001365843.7), dbSNP rs1262825827, ClinGen allele CA393295942.